The following is an entry in ClinVar:

NM_000321.3(RB1):c.619C>A (p.Gln207Lys)

Gene: RB1 (RB transcriptional corepressor 1; plus strand). Cytogenetic location: 13q14.2.
Variant type: single nucleotide variant.
Coding change: c.619C>A on transcript NM_000321.3 (MANE Select); coding-DNA position 619, C replaced by A.
Protein change: p.Gln207Lys; replaces glutamine 207 with lysine.
Molecular consequence: missense variant.
Genome position (GRCh38, 1-based): chr13:48,360,028, C>A. VCF-style: chr13-48360028-C-A. GRCh37 (hg19) VCF-style: chr13-48934164-C-A.
Other names: c.619C>A (NM_000321.2); short protein forms Q207K.
Identifiers: ClinVar variation 1062952 (VCV001062952.10), dbSNP rs2138107604, ClinGen allele CA388158119.

ClinVar aggregate classification (germline): Uncertain significance. Review status: criteria provided, multiple submitters, no conflicts (2 of 4 stars). 2 submissions from 2 submitters: Uncertain significance (2). Last evaluated 2026-07-07.

Conditions:
Retinoblastoma (RB1). Also called: RETINOBLASTOMA, SOMATIC. Identifiers: Orphanet 790, MedGen C0035335, MeSH D012175, MONDO:0008380, OMIM 180200, HP:0009919. Disease mechanism: loss of function. Inheritance: Both sporadic and heritable forms are tested..
Hereditary cancer-predisposing syndrome. Also called: Tumor predisposition; Hereditary Cancer Syndrome; Hereditary neoplastic syndrome; Neoplastic Syndromes, Hereditary. Identifiers: Orphanet 140162, MedGen C0027672, MeSH D009386, MONDO:0015356.

Submissions (2):

Ambry Genetics
Classification: Uncertain significance for Hereditary cancer-predisposing syndrome. Last evaluated: 2026-07-07. Review status: criteria provided, single submitter. Criteria: Ambry Variant Classification Scheme 2023. Collection method: clinical testing. Allele origin: germline.
Comment: The p.Q207K variant (also known as c.619C>A), located in coding exon 7 of the RB1 gene, results from a C to A substitution at nucleotide position 619. The glutamine at codon 207 is replaced by lysine, an amino acid with similar properties. This amino acid position is conserved. In addition, the in silico prediction for this alteration is inconclusive. Based on the available evidence, the clinical significance of this variant remains unclear.

Labcorp Genetics (formerly Invitae), Labcorp
Classification: Uncertain significance for Retinoblastoma. Last evaluated: 2020-03-10. Review status: criteria provided, single submitter. Criteria: Invitae Variant Classification Sherloc (09022015). Collection method: clinical testing. Allele origin: germline.
Comment: This sequence change replaces glutamine with lysine at codon 207 of the RB1 protein (p.Gln207Lys). The glutamine residue is highly conserved and there is a small physicochemical difference between glutamine and lysine. This variant is not present in population databases (ExAC no frequency). This variant has not been reported in the literature in individuals with RB1-related conditions. Algorithms developed to predict the effect of missense changes on protein structure and function (SIFT, PolyPhen-2, Align-GVGD) all suggest that this variant is likely to be disruptive, but these predictions have not been confirmed by published functional studies and their clinical significance is uncertain. In summary, the available evidence is currently insufficient to determine the role of this variant in disease. Therefore, it has been classified as a Variant of Uncertain Significance.